The following is an entry in ClinVar:

ClinVar aggregate classification (germline): Likely benign (1 of 4 stars; one submission).

Conditions:
Posterior column ataxia-retinitis pigmentosa syndrome (RETSNS). Also called: RETINOPATHY-SENSORY NEUROPATHY SYNDROME. Identifiers: Orphanet 88628, MedGen C1836916, MONDO:0012177, OMIM 609033.

Allele frequency attached by ClinVar (database versions not stated): gnomAD 0.00106 and 0.00113; TOPMed 0.00116; 1000 Genomes Project 30x 0.00156; 1000 Genomes Project 0.00180.

Submission:

Illumina Laboratory Services, Illumina
Classification: Likely benign for Posterior column ataxia-retinitis pigmentosa syndrome. Last evaluated: 2018-01-13. Review status: criteria provided, single submitter. Criteria: ICSL Variant Classification Criteria 13 December 2019. Collection method: clinical testing. Allele origin: germline.
Comment: This variant was observed in the ICSL laboratory as part of a predisposition screen in an ostensibly healthy population. It had not been previously curated by ICSL or reported in the Human Gene Mutation Database (HGMD: prior to June 1st, 2018), and was therefore a candidate for classification through an automated scoring system. Utilizing variant allele frequency, disease prevalence and penetrance estimates, and inheritance mode, an automated score was calculated to assess if this variant is too frequent to cause the disease. Based on the score and internal cut-off values, a variant classified as likely benign is not then subjected to further curation. The score for this variant resulted in a classification of likely benign for this disease.

NM_017791.3(FLVCR2):c.*1517T>C

Gene: FLVCR2 (FLVCR choline and putative heme transporter 2; plus strand). Cytogenetic location: 14q24.3.
Variant type: single nucleotide variant.
Coding change: c.*1517T>C on transcript NM_017791.3 (MANE Select); 1517 bases downstream of the stop codon, T replaced by C.
Molecular consequence: 3 prime UTR variant.
Genome position (GRCh38, 1-based): chr14:75,647,989, T>C. VCF-style: chr14-75647989-T-C. GRCh37 (hg19) VCF-style: chr14-76114332-T-C.
Other names: c.*1517T>C (NM_001195283.2).
Identifiers: ClinVar variation 887629 (VCV000887629.4), dbSNP rs114442666, ClinGen allele CA263683903.